The following is an entry in ClinVar:

ClinVar aggregate classification (germline): Likely benign (0 of 4 stars; one submission).

Conditions:
PCDHA9-related disorder. Also called: PCDHA9-related condition.

Allele frequency attached by ClinVar (database versions not stated): gnomAD 0.00181; 1000 Genomes Project 30x 0.00297; TOPMed 0.00212.
gnomAD v4.1: 510 of 1,597,650 alleles (0.032%); highest among the groups gnomAD compares: African/African-American, 0.62%; 26 homozygotes.

Submission:

PreventionGenetics, part of Exact Sciences
Classification: Likely benign for PCDHA9-related condition. Last evaluated: 2023-07-30. Review status: no assertion criteria provided. Collection method: clinical testing. Allele origin: germline.
Comment: This variant is classified as likely benign based on ACMG/AMP sequence variant interpretation guidelines (Richards et al. 2015 PMID: 25741868, with internal and published modifications).

NM_031857.2(PCDHA9):c.1834C>A (p.Gln612Lys)

Genes: PCDHA1 (protocadherin alpha 1; plus strand), PCDHA2 (protocadherin alpha 2; plus strand), PCDHA3 (protocadherin alpha 3; plus strand), PCDHA4 (protocadherin alpha 4; plus strand), PCDHA5 (protocadherin alpha 5; plus strand) and 5 more. Cytogenetic location: 5q31.3.
Variant type: single nucleotide variant.
Coding change: c.1834C>A on transcript NM_031857.2 (MANE Select); coding-DNA position 1834, C replaced by A.
Protein change: p.Gln612Lys; replaces glutamine 612 with lysine.
Molecular consequence: missense variant. On other transcripts: intron variant (10).
Genome position (GRCh38, 1-based): chr5:140,850,329, C>A. VCF-style: chr5-140850329-C-A. GRCh37 (hg19) VCF-style: chr5-140229914-C-A.
Other names: c.1834C>A, p.Gln612Lys (NM_014005.5); c.2394+61645C>A (NM_018900.4); c.1602+62437C>A (NM_031411.3); c.2388+52977C>A (NM_018905.3); c.2394+46738C>A (NM_018906.3); c.2385+40757C>A (NM_018907.4); c.2352+26202C>A (NM_018908.3); c.2394+19844C>A (NM_018909.4); and 3 more; short protein forms Q612K.
Identifiers: ClinVar variation 3045871 (VCV003045871.2), dbSNP rs139717033, ClinGen allele CA3450629.